The following is an entry in ClinVar:

ClinVar aggregate classification (germline): Uncertain significance (1 of 4 stars; one submission).

Submission:

Labcorp Genetics (formerly Invitae), Labcorp
Classification: Uncertain significance. Last evaluated: 2023-11-15. Review status: criteria provided, single submitter. Criteria: Invitae Variant Classification Sherloc (09022015). Collection method: clinical testing. Allele origin: germline.
Comment: This sequence change replaces serine, which is neutral and polar, with tryptophan, which is neutral and slightly polar, at codon 699 of the BRD4 protein (p.Ser699Trp). This variant is not present in population databases (gnomAD no frequency). This variant has not been reported in the literature in individuals affected with BRD4-related conditions. ClinVar contains an entry for this variant (Variation ID: 1353090). Advanced modeling of protein sequence and biophysical properties (such as structural, functional, and spatial information, amino acid conservation, physicochemical variation, residue mobility, and thermodynamic stability) has been performed at Invitae for this missense variant, however the output from this modeling did not meet the statistical confidence thresholds required to predict the impact of this variant on BRD4 protein function. In summary, the available evidence is currently insufficient to determine the role of this variant in disease. Therefore, it has been classified as a Variant of Uncertain Significance.

NM_001379291.1(BRD4):c.2096C>G (p.Ser699Trp)

Gene: BRD4 (bromodomain containing 4; minus strand). Cytogenetic location: 19p13.12.
Variant type: single nucleotide variant.
Coding change: c.2096C>G on transcript NM_001379291.1 (MANE Select); coding-DNA position 2096, C replaced by G.
Protein change: p.Ser699Trp; replaces serine 699 with tryptophan.
Molecular consequence: missense variant.
Genome position (GRCh38, 1-based): chr19:15,254,214, G>C on the plus strand (C>G on the coding strand, the complement: BRD4 is on the minus strand). VCF-style: chr19-15254214-G-C. GRCh37 (hg19) VCF-style: chr19-15365025-G-C.
Other names: c.2096C>G, p.Ser699Trp (NM_001330384.2, NM_001379292.1, NM_014299.3 and 1 more transcripts); short protein forms S699W.
Identifiers: ClinVar variation 1353090 (VCV001353090.6), dbSNP rs2047381325, ClinGen allele CA404516817.